The following is an entry in ClinVar:

NM_001282531.3(ADNP):c.521A>T (p.Asp174Val)

Gene: ADNP (activity dependent neuroprotector homeobox; minus strand). Cytogenetic location: 20q13.13.
Variant type: single nucleotide variant.
Coding change: c.521A>T on transcript NM_001282531.3 (MANE Select); coding-DNA position 521, A replaced by T.
Protein change: p.Asp174Val; replaces aspartic acid 174 with valine.
Molecular consequence: missense variant. On other transcripts: 5 prime UTR variant (1).
Genome position (GRCh38, 1-based): chr20:50,894,193, T>A on the plus strand (A>T on the coding strand, the complement: ADNP is on the minus strand). VCF-style: chr20-50894193-T-A. GRCh37 (hg19) VCF-style: chr20-49510730-T-A.
Other names: c.521A>T, p.Asp174Val (NM_001282532.2, NM_001347511.2, NM_015339.5 and 1 more transcripts); c.737A>T, p.Asp246Val (NM_001439000.1); c.-164A>T (NM_001439001.1); short protein forms D174V, D246V.
Identifiers: ClinVar variation 4847155 (VCV004847155.1).

ClinVar aggregate classification (germline): Uncertain significance (1 of 4 stars; one submission).

Submission:

Women's Health and Genetics/Laboratory Corporation of America, LabCorp
Classification: Uncertain significance. Last evaluated: 2026-03-17. Review status: criteria provided, single submitter. Criteria: LabCorp Variant Classification Summary - May 2015. Collection method: clinical testing. Allele origin: germline.
Comment: Variant summary: ADNP c.521A>T (p.Asp174Val) results in a non-conservative amino acid change in the encoded protein sequence. Algorithms developed to predict the effect of missense changes on protein structure and function are either unavailable or do not agree on the potential impact of this missense change. The variant was absent in 251470 control chromosomes. The available data on variant occurrences in the general population are insufficient to allow any conclusion about variant significance. To our knowledge, no occurrence of c.521A>T in individuals affected with ADNP-related conditions and no experimental evidence demonstrating its impact on protein function have been reported. No submitters have cited clinical-significance assessments for this variant to ClinVar. Based on the evidence outlined above, the variant was classified as uncertain significance.